The following is an entry in ClinVar:

ClinVar aggregate classification (germline): Uncertain significance (1 of 4 stars; one submission).

Conditions:
Charcot-Marie-Tooth disease axonal type 2Z. Also called: CHARCOT-MARIE-TOOTH DISEASE, AXONAL, AUTOSOMAL DOMINANT, TYPE 2Z; CHARCOT-MARIE-TOOTH NEUROPATHY, TYPE 2Z. Identifiers: Orphanet 466768, MedGen C5569025, MONDO:0014736, OMIM 616688.

Submission:

Labcorp Genetics (formerly Invitae), Labcorp
Classification: Uncertain significance for Charcot-Marie-Tooth disease axonal type 2Z. Last evaluated: 2025-12-07. Review status: criteria provided, single submitter. Criteria: Invitae Variant Classification Sherloc (09022015). Collection method: clinical testing. Allele origin: germline.
Comment: This sequence change replaces glutamine, which is neutral and polar, with leucine, which is neutral and non-polar, at codon 587 of the MORC2 protein (p.Gln587Leu). This variant is not present in population databases (gnomAD no frequency). This variant has not been reported in the literature in individuals affected with MORC2-related conditions. Invitae Evidence Modeling of protein sequence and biophysical properties (such as structural, functional, and spatial information, amino acid conservation, physicochemical variation, residue mobility, and thermodynamic stability) indicates that this missense variant is not expected to disrupt MORC2 protein function with a negative predictive value of 95%. In summary, the available evidence is currently insufficient to determine the role of this variant in disease. Therefore, it has been classified as a Variant of Uncertain Significance.

NM_001303256.3(MORC2):c.1760A>T (p.Gln587Leu)

Gene: MORC2 (MORC family CW-type zinc finger 2; minus strand). Cytogenetic location: 22q12.2.
Variant type: single nucleotide variant.
Coding change: c.1760A>T on transcript NM_001303256.3 (MANE Select); coding-DNA position 1760, A replaced by T.
Protein change: p.Gln587Leu; replaces glutamine 587 with leucine.
Molecular consequence: missense variant.
Genome position (GRCh38, 1-based): chr22:30,935,300, T>A on the plus strand (A>T on the coding strand, the complement: MORC2 is on the minus strand). VCF-style: chr22-30935300-T-A. GRCh37 (hg19) VCF-style: chr22-31331287-T-A.
Other names: c.1760A>T, p.Gln587Leu (NM_001303257.2); c.1574A>T, p.Gln525Leu (NM_014941.3); short protein forms Q525L, Q587L.
Identifiers: ClinVar variation 4759816 (VCV004759816.1).